The following is an entry in ClinVar:

NM_001430.5(EPAS1):c.2200C>A (p.His734Asn)

Gene: EPAS1 (endothelial PAS domain protein 1; plus strand). Cytogenetic location: 2p21.
Variant type: single nucleotide variant.
Coding change: c.2200C>A on transcript NM_001430.5 (MANE Select); coding-DNA position 2200, C replaced by A.
Protein change: p.His734Asn; replaces histidine 734 with asparagine.
Molecular consequence: missense variant.
Genome position (GRCh38, 1-based): chr2:46,382,002, C>A. VCF-style: chr2-46382002-C-A. GRCh37 (hg19) VCF-style: chr2-46609141-C-A.
Other names: short protein forms H734N.
Identifiers: ClinVar variation 1787627 (VCV001787627.3), dbSNP rs771329028, ClinGen allele CA46568647.
Genomic context (GRCh38, chr2:46,382,002, plus strand): 5'-TTTCCCCTTTCCATCTGCCCTTCTTACTCCCAGGGGGACCCACCTGGTGGCAGCACCTCA[C>A]ATTTGATGTGGAAACGGATGAAGAACCTCAGGGGTGGGAGCTGCCCTTTGATGCCGGACA-3'
Protein context (NP_001421.2, residues 724-744): GGDPPGGSTS[His734Asn]LMWKRMKNLR

ClinVar aggregate classification (germline): Uncertain significance (1 of 4 stars; one submission).

Conditions:
Inborn genetic diseases. Identifiers: MedGen C0950123, MeSH D030342.

Submission:

Ambry Genetics
Classification: Uncertain significance for Inborn genetic diseases. Last evaluated: 2024-03-31. Review status: criteria provided, single submitter. Criteria: Ambry Variant Classification Scheme 2023. Collection method: clinical testing. Allele origin: germline.
Comment: The p.H734N variant (also known as c.2200C>A), located in coding exon 14 of the EPAS1 gene, results from a C to A substitution at nucleotide position 2200. The histidine at codon 734 is replaced by asparagine, an amino acid with similar properties. This amino acid position is conserved. In addition, this alteration is predicted to be tolerated by in silico analysis. Since supporting evidence is limited at this time, the clinical significance of this alteration remains unclear.